The following is an entry in ClinVar:

NM_001330677.2(TBX15):c.884G>A (p.Arg295Gln)

Gene: TBX15 (T-box transcription factor 15; minus strand). Cytogenetic location: 1p12.
Variant type: single nucleotide variant.
Coding change: c.884G>A on transcript NM_001330677.2 (MANE Select); coding-DNA position 884, G replaced by A.
Protein change: p.Arg295Gln; replaces arginine 295 with glutamine.
Molecular consequence: missense variant.
Genome position (GRCh38, 1-based): chr1:118,914,157, C>T on the plus strand (G>A on the coding strand, the complement: TBX15 is on the minus strand). VCF-style: chr1-118914157-C-T. GRCh37 (hg19) VCF-style: chr1-119456780-C-T.
Other names: c.566G>A, p.Arg189Gln (NM_152380.3); short protein forms R189Q, R295Q.
Identifiers: ClinVar variation 1360442 (VCV001360442.6), dbSNP rs376184438, ClinGen allele CA30363315.

ClinVar aggregate classification (germline): Uncertain significance (1 of 4 stars; one submission).

Allele frequency attached by ClinVar (database versions not stated): gnomAD 0.00001; gnomAD exomes 0.00001; TOPMed 0.00001; ESP Exome Variant Server 0.00008.
gnomAD v4.1: 8 of 1,613,544 alleles (0.0005%); highest among the groups gnomAD compares: East Asian, 0.0022%; no homozygotes.

Submission:

Labcorp Genetics (formerly Invitae), Labcorp
Classification: Uncertain significance. Last evaluated: 2022-09-01. Review status: criteria provided, single submitter. Criteria: Invitae Variant Classification Sherloc (09022015). Collection method: clinical testing. Allele origin: germline.
Comment: This sequence change replaces arginine, which is basic and polar, with glutamine, which is neutral and polar, at codon 189 of the TBX15 protein (p.Arg189Gln). This variant is present in population databases (rs376184438, gnomAD 0.01%). This variant has not been reported in the literature in individuals affected with TBX15-related conditions. ClinVar contains an entry for this variant (Variation ID: 1360442). Algorithms developed to predict the effect of missense changes on protein structure and function are either unavailable or do not agree on the potential impact of this missense change (SIFT: "Deleterious"; PolyPhen-2: "Benign"; Align-GVGD: "Class C0"). In summary, the available evidence is currently insufficient to determine the role of this variant in disease. Therefore, it has been classified as a Variant of Uncertain Significance.